The following is an entry in ClinVar:

ClinVar aggregate classification (germline): Uncertain significance (1 of 4 stars; one submission).

Allele frequency attached by ClinVar (database versions not stated): ExAC 0.00003; gnomAD 0.00003 and 0.00004; gnomAD exomes 0.00003; TOPMed 0.00003.
gnomAD v4.1: 44 of 1,597,248 alleles (0.0028%); highest among the groups gnomAD compares: East Asian, 0.016%; no homozygotes.

Submission:

Labcorp Genetics (formerly Invitae), Labcorp
Classification: Uncertain significance. Last evaluated: 2022-09-07. Review status: criteria provided, single submitter. Criteria: Invitae Variant Classification Sherloc (09022015). Collection method: clinical testing. Allele origin: germline.
Comment: ClinVar contains an entry for this variant (Variation ID: 1416116). In summary, the available evidence is currently insufficient to determine the role of this variant in disease. Therefore, it has been classified as a Variant of Uncertain Significance. Algorithms developed to predict the effect of missense changes on protein structure and function (SIFT, PolyPhen-2, Align-GVGD) all suggest that this variant is likely to be tolerated. This variant has not been reported in the literature in individuals affected with DOCK6-related conditions. This variant is present in population databases (rs766688657, gnomAD 0.03%). This sequence change replaces arginine, which is basic and polar, with histidine, which is basic and polar, at codon 1638 of the DOCK6 protein (p.Arg1638His).

NM_020812.4(DOCK6):c.4913G>A (p.Arg1638His)

Genes: DOCK6 (dedicator of cytokinesis 6; minus strand), DOCK6-AS1 (DOCK6 antisense RNA 1; plus strand). Cytogenetic location: 19p13.2.
Variant type: single nucleotide variant.
Coding change: c.4913G>A on transcript NM_020812.4 (MANE Select); coding-DNA position 4913, G replaced by A.
Protein change: p.Arg1638His; replaces arginine 1638 with histidine.
Molecular consequence: missense variant.
Genome position (GRCh38, 1-based): chr19:11,208,942, C>T on the plus strand (G>A on the coding strand, the complement: DOCK6 is on the minus strand). VCF-style: chr19-11208942-C-T. GRCh37 (hg19) VCF-style: chr19-11319618-C-T.
Other names: c.5018G>A, p.Arg1673His (NM_001367830.1); short protein forms R1638H, R1673H.
Identifiers: ClinVar variation 1416116 (VCV001416116.5), dbSNP rs766688657, ClinGen allele CA9206690.